The following is an entry in ClinVar:

NM_000179.3(MSH6):c.535G>C (p.Ala179Pro)

Gene: MSH6 (mutS homolog 6; plus strand). Cytogenetic location: 2p16.3.
Variant type: single nucleotide variant.
Coding change: c.535G>C on transcript NM_000179.3 (MANE Select); coding-DNA position 535, G replaced by C.
Protein change: p.Ala179Pro; replaces alanine 179 with proline.
Molecular consequence: missense variant. On other transcripts: 5 prime UTR variant (1), intron variant (2).
Genome position (GRCh38, 1-based): chr2:47,795,971, G>C. VCF-style: chr2-47795971-G-C. GRCh37 (hg19) VCF-style: chr2-48023110-G-C.
Other names: c.-368G>C (NM_001281494.2); c.631G>C, p.Ala211Pro (NM_001406795.1, NM_001406802.1); c.535G>C, p.Ala179Pro (NM_001406796.1, NM_001406798.1, NM_001406800.1 and 5 more transcripts); c.238G>C, p.Ala80Pro (NM_001406797.1, NM_001406801.1, NM_001406805.1 and 10 more transcripts); c.10G>C, p.Ala4Pro (NM_001406799.1, NM_001406806.1, NM_001406807.1); c.457G>C, p.Ala153Pro (NM_001406804.1); c.541G>C, p.Ala181Pro (NM_001406813.1); c.-460G>C (NM_001406814.1); and 3 more; short protein forms A181P, A80P, A153P, A211P, A123P, A179P, A4P.
Identifiers: ClinVar variation 1747064 (VCV001747064.2), dbSNP rs587781817, ClinGen allele CA346738711.

ClinVar aggregate classification (germline): Uncertain significance (1 of 4 stars; one submission).

Conditions:
Hereditary cancer-predisposing syndrome. Also called: Hereditary Cancer Syndrome; Neoplastic Syndromes, Hereditary; Tumor predisposition; Hereditary neoplastic syndrome. Identifiers: Orphanet 140162, MedGen C0027672, MeSH D009386, MONDO:0015356.

Submission:

Ambry Genetics
Classification: Uncertain significance for Hereditary cancer-predisposing syndrome. Last evaluated: 2021-03-10. Review status: criteria provided, single submitter. Criteria: Ambry Variant Classification Scheme 2023. Collection method: clinical testing. Allele origin: germline.
Comment: The p.A179P variant (also known as c.535G>C), located in coding exon 3 of the MSH6 gene, results from a G to C substitution at nucleotide position 535. The alanine at codon 179 is replaced by proline, an amino acid with highly similar properties. This amino acid position is highly conserved in available vertebrate species. In addition, this alteration is predicted to be deleterious by in silico analysis. Since supporting evidence is limited at this time, the clinical significance of this alteration remains unclear.